The following is an entry in ClinVar:

ClinVar aggregate classification (germline): Uncertain significance (1 of 4 stars; one submission).

Allele frequency attached by ClinVar (database versions not stated): gnomAD exomes below 0.00001.
gnomAD v4.1: 3 of 1,211,881 alleles (0.00025%); highest among the groups gnomAD compares: Non-Finnish European, 0.00033%; no homozygotes.

Submission:

CeGaT Center for Human Genetics Tuebingen
Classification: Uncertain significance. Last evaluated: 2022-03-01. Review status: criteria provided, single submitter. Criteria: CeGaT Center For Human Genetics Tuebingen Variant Classification Criteria Version 2. Collection method: clinical testing. Allele origin: germline. Affected: yes. Observed: 1 variant allele.
Comment: CHM: PM2, BP1, BP4

NM_000390.4(CHM):c.557C>T (p.Thr186Ile)

Gene: CHM (CHM Rab escort protein; minus strand). Cytogenetic location: Xq21.2.
Variant type: single nucleotide variant.
Coding change: c.557C>T on transcript NM_000390.4 (MANE Select); coding-DNA position 557, C replaced by T.
Protein change: p.Thr186Ile; replaces threonine 186 with isoleucine.
Molecular consequence: missense variant.
Genome position (GRCh38, 1-based): chrX:85,963,810, G>A on the plus strand (C>T on the coding strand, the complement: CHM is on the minus strand). VCF-style: chrX-85963810-G-A. GRCh37 (hg19) VCF-style: chrX-85218815-G-A.
Other names: c.113C>T, p.Thr38Ile (NM_001320959.1, NM_001362517.1, NM_001362518.2 and 1 more transcripts); short protein forms T186I, T38I.
Identifiers: ClinVar variation 2661006 (VCV002661006.24), dbSNP rs2520272564, ClinGen allele CA413786766.